The following is an entry in ClinVar:

NM_001040716.2(PC):c.1295A>G (p.His432Arg)

Gene: PC (pyruvate carboxylase; minus strand). Cytogenetic location: 11q13.2.
Variant type: single nucleotide variant.
Coding change: c.1295A>G on transcript NM_001040716.2 (MANE Select); coding-DNA position 1295, A replaced by G.
Protein change: p.His432Arg; replaces histidine 432 with arginine.
Molecular consequence: missense variant.
Genome position (GRCh38, 1-based): chr11:66,863,847, T>C on the plus strand (A>G on the coding strand, the complement: PC is on the minus strand). VCF-style: chr11-66863847-T-C. GRCh37 (hg19) VCF-style: chr11-66631318-T-C.
Other names: c.1295A>G, p.His432Arg (NM_000920.4, NM_022172.3); short protein forms H432R.
Identifiers: ClinVar variation 1716127 (VCV001716127.5), dbSNP rs2495673777, ClinGen allele CA381498150.

ClinVar aggregate classification (germline): Uncertain significance (1 of 4 stars; one submission).

Conditions:
Pyruvate carboxylase deficiency. Also called: ATAXIA WITH LACTIC ACIDOSIS II; Pyruvate Carboxylase Deficiency Disease; LEIGH NECROTIZING ENCEPHALOPATHY DUE TO PYRUVATE CARBOXYLASE DEFICIENCY; LEIGH SYNDROME DUE TO PYRUVATE CARBOXYLASE DEFICIENCY; PC DEFICIENCY. Identifiers: Orphanet 3008, MedGen C0034341, MONDO:0009949, OMIM 266150.

Allele frequency attached by ClinVar (database versions not stated): gnomAD exomes below 0.00001.
gnomAD v4.1: 1 of 1,613,636 alleles (0.000062%); highest among the groups gnomAD compares: Non-Finnish European, 0.000085%; no homozygotes.

Submission:

Labcorp Genetics (formerly Invitae), Labcorp
Classification: Uncertain significance for Pyruvate carboxylase deficiency. Last evaluated: 2022-08-11. Review status: criteria provided, single submitter. Criteria: Invitae Variant Classification Sherloc (09022015). Collection method: clinical testing. Allele origin: germline.
Comment: This sequence change replaces histidine, which is basic and polar, with arginine, which is basic and polar, at codon 432 of the PC protein (p.His432Arg). This variant is not present in population databases (gnomAD no frequency). This variant has not been reported in the literature in individuals affected with PC-related conditions. Algorithms developed to predict the effect of missense changes on protein structure and function (SIFT, PolyPhen-2, Align-GVGD) all suggest that this variant is likely to be tolerated. In summary, the available evidence is currently insufficient to determine the role of this variant in disease. Therefore, it has been classified as a Variant of Uncertain Significance.